The following is an entry in ClinVar:

ClinVar aggregate classification (germline): Uncertain significance. Review status: criteria provided, multiple submitters, no conflicts (2 of 4 stars). 3 submissions from 3 submitters: Uncertain significance (3). Last evaluated 2025-05-04.

Conditions:
Aortic aneurysm, familial thoracic 7 (AAT7). Also called: AORTIC DISSECTION, FAMILIAL, WITH OR WITHOUT AORTIC ANEURYSM. Identifiers: MedGen C3151077, MONDO:0013418, OMIM 613780.
Familial thoracic aortic aneurysm and aortic dissection (TAAD). Also called: Thoracic aortic aneurysms and dissections. Identifiers: Orphanet 91387, MedGen C4707243, MONDO:0019625.

gnomAD v4.1: 3 of 1,613,970 alleles (0.00019%); highest among the groups gnomAD compares: East Asian, 0.0022%; no homozygotes.

Submissions (3):

Labcorp Genetics (formerly Invitae), Labcorp
Classification: Uncertain significance for Aortic aneurysm, familial thoracic 7. Last evaluated: 2025-05-04. Review status: criteria provided, single submitter. Criteria: Invitae Variant Classification Sherloc (09022015). Collection method: clinical testing. Allele origin: germline.
Comment: This sequence change replaces glutamine, which is neutral and polar, with proline, which is neutral and non-polar, at codon 950 of the MYLK protein (p.Gln950Pro). This variant is present in population databases (rs200536833, gnomAD 0.006%). This variant has not been reported in the literature in individuals affected with MYLK-related conditions. ClinVar contains an entry for this variant (Variation ID: 1016398). Invitae Evidence Modeling of protein sequence and biophysical properties (such as structural, functional, and spatial information, amino acid conservation, physicochemical variation, residue mobility, and thermodynamic stability) indicates that this missense variant is not expected to disrupt MYLK protein function with a negative predictive value of 80%. In summary, the available evidence is currently insufficient to determine the role of this variant in disease. Therefore, it has been classified as a Variant of Uncertain Significance.

Women's Health and Genetics/Laboratory Corporation of America, LabCorp
Classification: Uncertain significance. Last evaluated: 2024-10-20. Review status: criteria provided, single submitter. Criteria: LabCorp Variant Classification Summary - May 2015. Collection method: clinical testing. Allele origin: germline.

Ambry Genetics
Classification: Uncertain significance for Familial thoracic aortic aneurysm and aortic dissection. Last evaluated: 2024-04-10. Review status: criteria provided, single submitter. Criteria: Ambry Variant Classification Scheme 2023. Collection method: clinical testing. Allele origin: germline.
Comment: The p.Q950P variant (also known as c.2849A>C), located in coding exon 15 of the MYLK gene, results from an A to C substitution at nucleotide position 2849. The glutamine at codon 950 is replaced by proline, an amino acid with similar properties. This amino acid position is conserved. In addition, the in silico prediction for this alteration is inconclusive. Since supporting evidence is limited at this time, the clinical significance of this alteration remains unclear.

NM_053025.4(MYLK):c.2849A>C (p.Gln950Pro)

Gene: MYLK (myosin light chain kinase; minus strand). Cytogenetic location: 3q21.1.
Variant type: single nucleotide variant.
Coding change: c.2849A>C on transcript NM_053025.4 (MANE Select); coding-DNA position 2849, A replaced by C.
Protein change: p.Gln950Pro; replaces glutamine 950 with proline.
Molecular consequence: missense variant.
Genome position (GRCh38, 1-based): chr3:123,700,619, T>G on the plus strand (A>C on the coding strand, the complement: MYLK is on the minus strand). VCF-style: chr3-123700619-T-G. GRCh37 (hg19) VCF-style: chr3-123419466-T-G.
Other names: c.2321A>C, p.Gln774Pro (NM_001321309.2); c.2642A>C, p.Gln881Pro (NM_053026.4, NM_053028.4); c.2849A>C, p.Gln950Pro (NM_053027.4); short protein forms Q774P, Q881P, Q950P.
Identifiers: ClinVar variation 1016398 (VCV001016398.11), dbSNP rs200536833, ClinGen allele CA069081.